The following is an entry in ClinVar:

ClinVar aggregate classification (germline): Benign/Likely benign. Review status: criteria provided, multiple submitters, no conflicts (2 of 4 stars). 16 submissions from 14 submitters: Benign (13); Likely benign (1). 2 of the submissions do not count toward it. Last evaluated 2026-09-01.

Conditions:
Autosomal recessive limb-girdle muscular dystrophy type 2L (LGMDR12). Also called: MUSCULAR DYSTROPHY, LIMB-GIRDLE, AUTOSOMAL RECESSIVE 12; Limb-Girdle Muscular Dystrophy R12 Anoctamin-5-Related (LGMD-R12); Limb-girdle muscular dystrophy, type 2L. Identifiers: Orphanet 206549, MedGen C1969785, MONDO:0012652, OMIM 611307.
Gnathodiaphyseal dysplasia (GDD). Also called: OSTEOGENESIS IMPERFECTA WITH UNUSUAL SKELETAL LESIONS; GNATHODIAPHYSEAL SCLEROSIS. Identifiers: Orphanet 53697, MedGen C1833736, MONDO:0008151, OMIM 166260.
ANO5-Related Muscle Diseases. Identifiers: MedGen CN180644.
Miyoshi muscular dystrophy 3 (MMD3). Also called: Miyoshi Muscular Dystrophy 3 (MMD3); Miyoshi myopathy 3. Identifiers: Orphanet 399096, MedGen C2750076, MONDO:0013222, OMIM 613319.

Allele frequency attached by ClinVar (database versions not stated): gnomAD exomes 0.00108 and 0.00247; ExAC 0.00286; gnomAD 0.00900 and 0.00971; 1000 Genomes Project 0.00938; TOPMed 0.00960; 1000 Genomes Project 30x 0.00999; ESP Exome Variant Server 0.01176.

Submissions (16):

CeGaT Center for Human Genetics Tuebingen
Classification: Benign. Last evaluated: 2026-09-01. Review status: criteria provided, single submitter. Criteria: CeGaT Center For Human Genetics Tuebingen Variant Classification Criteria Version 2. Collection method: clinical testing. Allele origin: germline. Affected: yes. Observed: 7 variant alleles.
Comment: ANO5: BP4, BS1, BS2

Labcorp Genetics (formerly Invitae), Labcorp
Classification: Benign for Autosomal recessive limb-girdle muscular dystrophy type 2L; Gnathodiaphyseal dysplasia. Last evaluated: 2026-02-02. Review status: criteria provided, single submitter. Criteria: Invitae Variant Classification Sherloc (09022015). Collection method: clinical testing. Allele origin: germline.

Genomic Medicine Center of Excellence, King Faisal Specialist Hospital and Research Centre
Classification: Likely benign. Last evaluated: 2025-08-18. Review status: criteria provided, single submitter. Criteria: ACMG Guidelines, 2015. Collection method: clinical testing. Allele origin: germline.

ARUP Laboratories, Molecular Genetics and Genomics, ARUP Laboratories
Classification: Benign. Last evaluated: 2023-03-16. Review status: criteria provided, single submitter. Criteria: ARUP Molecular Germline Variant Investigation Process 2024. Collection method: clinical testing. Allele origin: germline.

Genome-Nilou Lab
Classification: Benign for Gnathodiaphyseal dysplasia. Last evaluated: 2021-12-05. Review status: criteria provided, single submitter. Criteria: ACMG Guidelines, 2015. Collection method: clinical testing. Allele origin: germline. Affected: no.

Genome-Nilou Lab
Classification: Benign for Miyoshi muscular dystrophy 3. Last evaluated: 2021-12-05. Review status: criteria provided, single submitter. Criteria: ACMG Guidelines, 2015. Collection method: clinical testing. Allele origin: germline. Affected: no.

Genome-Nilou Lab
Classification: Benign for Autosomal recessive limb-girdle muscular dystrophy type 2L. Last evaluated: 2021-12-05. Review status: criteria provided, single submitter. Criteria: ACMG Guidelines, 2015. Collection method: clinical testing. Allele origin: germline. Affected: no.

Athena Diagnostics
Classification: Benign. Last evaluated: 2019-06-30. Review status: criteria provided, single submitter. Criteria: Athena Diagnostics Criteria. Collection method: clinical testing. Allele origin: germline.

Mayo Clinic Laboratories, Mayo Clinic
Classification: Benign. Last evaluated: 2019-06-24. Review status: criteria provided, single submitter. Criteria: ACMG Guidelines, 2015. Collection method: clinical testing. Allele origin: germline. Observed: 9 variant alleles.

Illumina Laboratory Services, Illumina
Classification: Benign for ANO5-Related Muscle Diseases. Last evaluated: 2018-01-13. Review status: criteria provided, single submitter. Criteria: ICSL Variant Classification Criteria 13 December 2019. Collection method: clinical testing. Allele origin: germline.
Comment: This variant was observed in the ICSL laboratory as part of a predisposition screen in an ostensibly healthy population. It had not been previously curated by ICSL or reported in the Human Gene Mutation Database (HGMD: prior to June 1st, 2018), and was therefore a candidate for classification through an automated scoring system. Utilizing variant allele frequency, disease prevalence and penetrance estimates, and inheritance mode, an automated score was calculated to assess if this variant is too frequent to cause the disease. Based on the score and internal cut-off values, a variant classified as benign is not then subjected to further curation. The score for this variant resulted in a classification of benign for this disease.

GeneDx
Classification: Benign. Last evaluated: 2016-07-20. Review status: criteria provided, single submitter. Criteria: GeneDx Variant Classification (06012015). Collection method: clinical testing. Allele origin: germline. Affected: yes.
Comment: This variant is considered likely benign or benign based on one or more of the following criteria: it is a conservative change, it occurs at a poorly conserved position in the protein, it is predicted to be benign by multiple in silico algorithms, and/or has population frequency not consistent with disease.

Eurofins Ntd Llc (ga)
Classification: Benign. Last evaluated: 2016-02-02. Review status: criteria provided, single submitter. Criteria: EGL Classification Definitions 2015. Collection method: clinical testing. Allele origin: germline. Observed: 4 variant alleles, 4 heterozygotes.

Breakthrough Genomics
Classification: Benign. Review status: criteria provided, single submitter. Criteria: ACMG Guidelines, 2015. Collection method: not provided. Allele origin: germline. Inheritance: Autosomal recessive inheritance. Affected: yes.

PreventionGenetics, part of Exact Sciences
Classification: Benign. Review status: criteria provided, single submitter. Criteria: ACMG Guidelines, 2015. Collection method: clinical testing. Allele origin: germline.

Genome Diagnostics Laboratory, Amsterdam University Medical Center
Classification: Benign. Review status: no assertion criteria provided. Collection method: clinical testing. Allele origin: germline. Affected: yes. Study: VKGL Data-share Consensus. Not counted in ClinVar's aggregate classification.

Genome Diagnostics Laboratory, University Medical Center Utrecht
Classification: Benign. Review status: no assertion criteria provided. Collection method: clinical testing. Allele origin: germline. Affected: yes. Study: VKGL Data-share Consensus. Not counted in ClinVar's aggregate classification.

Literature cited by the submitters: PubMed 25891276 (cited by Athena Diagnostics).

NM_213599.3(ANO5):c.604G>A (p.Glu202Lys)

Gene: ANO5 (anoctamin 5; plus strand). Cytogenetic location: 11p14.3.
Variant type: single nucleotide variant.
Coding change: c.604G>A on transcript NM_213599.3 (MANE Select); coding-DNA position 604, G replaced by A.
Protein change: p.Glu202Lys; replaces glutamic acid 202 with lysine.
Molecular consequence: missense variant.
Genome position (GRCh38, 1-based): chr11:22,227,542, G>A. VCF-style: chr11-22227542-G-A. GRCh37 (hg19) VCF-style: chr11-22249088-G-A.
Other names: c.601G>A, p.Glu201Lys (NM_001142649.2); short protein forms E202K, E201K.
Identifiers: ClinVar variation 263316 (VCV000263316.56), dbSNP rs115750596, ClinGen allele CA5922957.